The following is an entry in ClinVar:

NM_015001.3(SPEN):c.373C>T (p.Arg125Ter)

Gene: SPEN (spen family transcriptional repressor; plus strand). Cytogenetic location: 1p36.21.
Variant type: single nucleotide variant.
Coding change: c.373C>T on transcript NM_015001.3 (MANE Select); coding-DNA position 373, C replaced by T.
Protein change: p.Arg125Ter; replaces arginine 125 with a stop codon.
Molecular consequence: nonsense.
Genome position (GRCh38, 1-based): chr1:15,873,105, C>T. VCF-style: chr1-15873105-C-T. GRCh37 (hg19) VCF-style: chr1-16199600-C-T.
Other names: short protein forms R125*.
Identifiers: ClinVar variation 2391426 (VCV002391426.2), dbSNP rs2522927850, ClinGen allele CA338596999.
Genomic context (GRCh38, chr1:15,873,105, plus strand): 5'-TCTGGGTTCAGAGGAGGTGGTGGAGGGCCTGCTTATGGTCCCCCACCGTCACTTCATGCA[C>T]GAGAAGGACGTTATGAGCGGAGACTTGATGGGTAAGTTCCAAGGTTTCTGTAGGCAGGTA-3'

ClinVar aggregate classification (germline): Pathogenic (1 of 4 stars; one submission).

Conditions:
Inborn genetic diseases. Identifiers: MedGen C0950123, MeSH D030342.

Submission:

Ambry Genetics
Classification: Pathogenic for Inborn genetic diseases. Last evaluated: 2021-12-17. Review status: criteria provided, single submitter. Criteria: Ambry Variant Classification Scheme 2023. Collection method: clinical testing. Allele origin: germline.
Comment: The c.373C>T (p.R125*) alteration, located in exon 2 (coding exon 2) of the SPEN gene, consists of a C to T substitution at nucleotide position 373. This changes the amino acid from an arginine (R) to a stop codon at amino acid position 125. This alteration is expected to result in loss of function by premature protein truncation or nonsense-mediated mRNA decay. This variant was not reported in population-based cohorts in the Genome Aggregation Database (gnomAD). Based on the available evidence, this alteration is classified as pathogenic.